The following is an entry in ClinVar:

ClinVar aggregate classification (germline): Likely benign. Review status: criteria provided, multiple submitters, no conflicts (2 of 4 stars). 2 submissions from 2 submitters: Likely benign (2). Last evaluated 2017-10-26.

Conditions:
Diabetic retinopathy. Identifiers: MedGen C0011884, MONDO:0005266.

Allele frequency attached by ClinVar (database versions not stated): ExAC below 0.00001; gnomAD 0.00001; TOPMed 0.00004.
gnomAD v4.1: 28 of 1,388,046 alleles (0.002%); highest among the groups gnomAD compares: Non-Finnish European, 0.0022%; no homozygotes.

Submissions (2):

GeneDx
Classification: Likely benign. Last evaluated: 2017-10-26. Review status: criteria provided, single submitter. Criteria: GeneDx Variant Classification (06012015). Collection method: clinical testing. Allele origin: germline. Affected: yes.
Comment: This variant is considered likely benign or benign based on one or more of the following criteria: it is a conservative change, it occurs at a poorly conserved position in the protein, it is predicted to be benign by multiple in silico algorithms, and/or has population frequency not consistent with disease.

Clinical Genomics, Uppaluri K&H Personalized Medicine Clinic
Classification: Likely benign for Diabetic retinopathy. Review status: criteria provided, single submitter. Criteria: K And H Uppaluri Personalized Medicine Clinic Variant Classification And Assertion Criteria Updated V 2. Collection method: research. Allele origin: unknown.
Comment: Potent mutations in TGFBR2 gene encodes the transforming growth factor that have been associated with angiogenesis and diabetic retinopathy. More clinical studies are needed for stronger association. However, more evidence is required to confer the association of this particular variant rs767154664 with diabetic retinopathy.

Literature cited by the submitters: PubMed 30222965 (cited by Clinical Genomics, Uppaluri K&H Personalized Medicine Clinic); PubMed 28162229 (cited by Clinical Genomics, Uppaluri K&H Personalized Medicine Clinic); PubMed 34572573 (cited by Clinical Genomics, Uppaluri K&H Personalized Medicine Clinic).

NM_003242.6(TGFBR2):c.-31G>A

Gene: TGFBR2 (transforming growth factor beta receptor 2; plus strand). Cytogenetic location: 3p24.1.
Variant type: single nucleotide variant.
Coding change: c.-31G>A on transcript NM_003242.6 (MANE Select); 31 bases upstream of the start codon, G replaced by A.
Molecular consequence: 5 prime UTR variant.
Genome position (GRCh38, 1-based): chr3:30,606,853, G>A. VCF-style: chr3-30606853-G-A. GRCh37 (hg19) VCF-style: chr3-30648345-G-A.
Other names: c.-31G>A (NM_001024847.3, NM_001407126.1, NM_001407127.1 and 4 more transcripts); c.-314G>A (NM_001407133.1); c.-192G>A (NM_001407134.1); c.-239G>A (NM_001407135.1); c.-324G>A (NM_001407136.1).
Identifiers: ClinVar variation 512897 (VCV000512897.3), dbSNP rs767154664, ClinGen allele CA047973.